The following is an entry in ClinVar:

NM_001130987.2(DYSF):c.1394T>A (p.Ile465Asn)

Gene: DYSF (dysferlin; plus strand). Cytogenetic location: 2p13.2.
Variant type: single nucleotide variant.
Coding change: c.1394T>A on transcript NM_001130987.2 (MANE Select); coding-DNA position 1394, T replaced by A.
Protein change: p.Ile465Asn; replaces isoleucine 465 with asparagine.
Molecular consequence: missense variant.
Genome position (GRCh38, 1-based): chr2:71,535,034, T>A. VCF-style: chr2-71535034-T-A. GRCh37 (hg19) VCF-style: chr2-71762164-T-A.
Other names: c.1391T>A, p.Ile464Asn (NM_001130979.2, NM_001130980.2, NM_001130981.2); c.1394T>A, p.Ile465Asn (NM_001130982.2, NM_001130985.2); c.1301T>A, p.Ile434Asn (NM_001130983.2, NM_001130984.2, NM_001130986.2 and 1 more transcripts); c.1298T>A, p.Ile433Asn (NM_003494.4, NM_001130976.2, NM_001130977.2 and 1 more transcripts); short protein forms I433N, I464N, I465N, I434N.
Identifiers: ClinVar variation 1401447 (VCV001401447.5), dbSNP rs2152760978, ClinGen allele CA347215603.

ClinVar aggregate classification (germline): Uncertain significance (1 of 4 stars; one submission).

Conditions:
Neuromuscular disease caused by qualitative or quantitative defects of dysferlin. Also called: Qualitative or quantitative defects of dysferlin; Dysferlinopathy. Identifiers: Orphanet 207073, MedGen C2931687, MONDO:0016145.

Submission:

Labcorp Genetics (formerly Invitae), Labcorp
Classification: Uncertain significance for Neuromuscular disease caused by qualitative or quantitative defects of dysferlin. Last evaluated: 2022-04-11. Review status: criteria provided, single submitter. Criteria: Invitae Variant Classification Sherloc (09022015). Collection method: clinical testing. Allele origin: germline.
Comment: This sequence change replaces isoleucine, which is neutral and non-polar, with asparagine, which is neutral and polar, at codon 433 of the DYSF protein (p.Ile433Asn). This variant is not present in population databases (gnomAD no frequency). This variant has not been reported in the literature in individuals affected with DYSF-related conditions. Algorithms developed to predict the effect of missense changes on protein structure and function are either unavailable or do not agree on the potential impact of this missense change (SIFT: "Deleterious"; PolyPhen-2: "Probably Damaging"; Align-GVGD: "Class C0"). In summary, the available evidence is currently insufficient to determine the role of this variant in disease. Therefore, it has been classified as a Variant of Uncertain Significance.